The following is an entry in ClinVar:

NM_000481.4(AMT):c.734_735del (p.Thr245fs)

Gene: AMT (aminomethyltransferase; minus strand). Cytogenetic location: 3p21.31.
Variant type: Deletion.
Coding change: c.734_735del on transcript NM_000481.4 (MANE Select); coding-DNA positions 734 to 735, 2 bases deleted (CA; older notation c.734_735delCA).
Protein change: p.Thr245fs; shifts the reading frame from threonine 245.
Molecular consequence: frameshift variant. On other transcripts: non-coding transcript variant (1).
Genome position (GRCh38, 1-based): chr3:49,419,113-49,419,114, TG deleted on the plus strand (CA on the coding strand, the reverse complement: AMT is on the minus strand); deleting any 2 consecutive bases within chr3:49,419,113-49,419,115 gives the same sequence; the c. name uses the placement nearest the transcript's 3' end. VCF-style (leftmost placement, unchanged base first): chr3-49419112-CTG-C. GRCh37 (hg19) VCF-style: chr3-49456545-CTG-C.
Other names: c.602_603del, p.Thr201fs (NM_001164710.2); c.566_567del, p.Thr189fs (NM_001164711.2); c.734_735del, p.Thr245fs (NM_001164712.2); short protein forms T201fs, T189fs, T245fs.
Identifiers: ClinVar variation 851973 (VCV000851973.7), dbSNP rs2049052992, ClinGen allele CA916081430.

ClinVar aggregate classification (germline): Pathogenic (1 of 4 stars; one submission).

Conditions:
Glycine encephalopathy. Also called: Nonketotic hyperglycinemia; Non-ketotic hyperglycinemia. Identifiers: Orphanet 407, MedGen C0751748, MONDO:0011612, HP:0008288.

Submission:

Labcorp Genetics (formerly Invitae), Labcorp
Classification: Pathogenic for Glycine encephalopathy. Last evaluated: 2019-02-06. Review status: criteria provided, single submitter. Criteria: Invitae Variant Classification Sherloc (09022015). Collection method: clinical testing. Allele origin: germline.
Comment: Loss-of-function variants in AMT are known to be pathogenic (PMID: 16450403). For these reasons, this variant has been classified as Pathogenic. This variant has not been reported in the literature in individuals with AMT-related conditions. This variant is not present in population databases (ExAC no frequency). This sequence change creates a premature translational stop signal (p.Thr245Serfs*31) in the AMT gene. It is expected to result in an absent or disrupted protein product.

Literature cited by the submitters: PubMed 16450403.